The following is an entry in ClinVar:

NM_001012759.3(CTU2):c.771C>G (p.His257Gln)

Gene: CTU2 (cytosolic thiouridylase subunit 2; plus strand). Cytogenetic location: 16q24.3.
Variant type: single nucleotide variant.
Coding change: c.771C>G on transcript NM_001012759.3 (MANE Select); coding-DNA position 771, C replaced by G.
Protein change: p.His257Gln; replaces histidine 257 with glutamine.
Molecular consequence: missense variant.
Genome position (GRCh38, 1-based): chr16:88,713,345, C>G. VCF-style: chr16-88713345-C-G. GRCh37 (hg19) VCF-style: chr16-88779753-C-G.
Other names: c.771C>G, p.His257Gln (NM_001012762.3); c.984C>G, p.His328Gln (NM_001318507.2); c.510C>G, p.His170Gln (NM_001318513.2); short protein forms H170Q, H257Q, H328Q.
Identifiers: ClinVar variation 718241 (VCV000718241.33), dbSNP rs73262667, ClinGen allele CA8230543.
Genomic context (GRCh38, chr16:88,713,345, plus strand): 5'-AGGCCCCTGAGACGCTCTGTGCTTTAGGACCCACCTGATCCTCCACATGGCCCGAGCCCA[C>G]GGCTACTCCAAGGTCATGACTGGGGACAGCTGCACACGCTTGGCTATCAAGCTCATGACC-3'
Protein context (NP_001012777.1, residues 247-267): THLILHMARA[His257Gln]GYSKVMTGDS

ClinVar aggregate classification (germline): Likely benign. Review status: criteria provided, multiple submitters, no conflicts (2 of 4 stars). 3 submissions from 3 submitters: Likely benign (2). 1 of the submissions does not count toward it. Last evaluated 2026-08-01.

Conditions:
CTU2-related disorder. Also called: CTU2-related condition.

Allele frequency attached by ClinVar (database versions not stated): 1000 Genomes Project 0.00180; 1000 Genomes Project 30x 0.00203.
gnomAD v4.1: 1,022 of 1,598,104 alleles (0.064%); highest among the groups gnomAD compares: African/African-American, 0.37%; 4 homozygotes.

Submissions (3):

CeGaT Center for Human Genetics Tuebingen
Classification: Likely benign. Last evaluated: 2026-08-01. Review status: criteria provided, single submitter. Criteria: CeGaT Center For Human Genetics Tuebingen Variant Classification Criteria Version 2. Collection method: clinical testing. Allele origin: germline. Affected: yes. Observed: 3 variant alleles.
Comment: CTU2: BP4, BS2

Labcorp Genetics (formerly Invitae), Labcorp
Classification: Likely benign. Last evaluated: 2025-06-13. Review status: criteria provided, single submitter. Criteria: Invitae Variant Classification Sherloc (09022015). Collection method: clinical testing. Allele origin: germline.

PreventionGenetics, part of Exact Sciences
Classification: Likely benign for CTU2-related condition. Last evaluated: 2022-05-02. Review status: no assertion criteria provided. Collection method: clinical testing. Allele origin: germline. Not counted in ClinVar's aggregate classification.
Comment: This variant is classified as likely benign based on ACMG/AMP sequence variant interpretation guidelines (Richards et al. 2015 PMID: 25741868, with internal and published modifications).